The following is an entry in ClinVar:

ClinVar aggregate classification (germline): Benign/Likely benign. Review status: criteria provided, multiple submitters, no conflicts (2 of 4 stars). 13 submissions from 13 submitters: Benign (4); Likely benign (9). Last evaluated 2026-01-28.

Conditions:
Mandibular hypoplasia-deafness-progeroid syndrome. Also called: Mandibular hypoplasia, deafness, progeroid features, and lipodystrophy syndrome. Identifiers: Orphanet 363649, MedGen C3715192, MONDO:0014157, OMIM 615381.
Immunodeficiency 120. Identifiers: MedGen C5935622, MONDO:0970994, OMIM 620836.
POLD1-related polyposis and colorectal cancer syndrome (CRCS10). Also called: Colorectal cancer 10; COLORECTAL CANCER, SUSCEPTIBILITY TO, ON CHROMOSOME 19q; Colorectal cancer, susceptibility to, 10. Identifiers: Orphanet 220460, MedGen C2675481, MONDO:0012953, OMIM 612591.
Hereditary cancer-predisposing syndrome. Also called: Tumor predisposition; Hereditary Cancer Syndrome; Neoplastic Syndromes, Hereditary; Hereditary neoplastic syndrome. Identifiers: Orphanet 140162, MedGen C0027672, MeSH D009386, MONDO:0015356.

Allele frequency attached by ClinVar (database versions not stated): ESP Exome Variant Server 0.00008; TOPMed 0.00014; 1000 Genomes Project 30x 0.00016; gnomAD 0.00016; ExAC 0.00019; 1000 Genomes Project 0.00020.
gnomAD v4.1: 168 of 1,612,298 alleles (0.01%); highest among the groups gnomAD compares: Admixed American, 0.044%; no homozygotes.

Submissions (13):

Labcorp Genetics (formerly Invitae), Labcorp
Classification: Likely benign for POLD1-related polyposis and colorectal cancer syndrome. Last evaluated: 2026-01-28. Review status: criteria provided, single submitter. Criteria: Invitae Variant Classification Sherloc (09022015). Collection method: clinical testing. Allele origin: germline.

Center for Genomic Medicine, Rigshospitalet, Copenhagen University Hospital
Classification: Likely benign. Last evaluated: 2025-03-04. Review status: criteria provided, single submitter. Criteria: ACMG Guidelines, 2015. Collection method: clinical testing. Allele origin: germline.

KCCC/NGS Laboratory, Kuwait Cancer Control Center
Classification: Benign for POLD1-related polyposis and colorectal cancer syndrome. Last evaluated: 2025-02-01. Review status: criteria provided, single submitter. Criteria: ACMG Guidelines, 2015. Collection method: clinical testing. Allele origin: germline. Affected: no.

Blueprint Genetics
Classification: Likely benign. Last evaluated: 2024-09-30. Review status: criteria provided, single submitter. Criteria: ACMG Guidelines, 2015. Collection method: clinical testing. Allele origin: germline.

CeGaT Center for Human Genetics Tuebingen
Classification: Likely benign. Last evaluated: 2023-03-01. Review status: criteria provided, single submitter. Criteria: CeGaT Center For Human Genetics Tuebingen Variant Classification Criteria Version 2. Collection method: clinical testing. Allele origin: germline. Affected: yes. Observed: 2 variant alleles.
Comment: POLD1: BP4, BP7

Department of Pathology and Laboratory Medicine, Sinai Health System
Classification: Likely benign for POLD1-related polyposis and colorectal cancer syndrome; Mandibular hypoplasia-deafness-progeroid syndrome; Immunodeficiency 120. Last evaluated: 2022-08-29. Review status: criteria provided, single submitter. Criteria: ACMG Guidelines, 2015. Collection method: clinical testing. Allele origin: germline. Affected: no.

Women's Health and Genetics/Laboratory Corporation of America, LabCorp
Classification: Benign. Last evaluated: 2022-08-07. Review status: criteria provided, single submitter. Criteria: LabCorp Variant Classification Summary - May 2015. Collection method: clinical testing. Allele origin: germline.

GeneDx
Classification: Likely benign. Last evaluated: 2021-03-23. Review status: criteria provided, single submitter. Criteria: GeneDx Variant Classification Process June 2021. Collection method: clinical testing. Allele origin: germline. Affected: yes.

Sema4
Classification: Benign for Hereditary cancer-predisposing syndrome. Last evaluated: 2020-11-29. Review status: criteria provided, single submitter. Criteria: Sema4 Curation Guidelines. Collection method: curation. Allele origin: germline.

Mendelics
Classification: Likely benign for POLD1-related polyposis and colorectal cancer syndrome. Last evaluated: 2019-05-28. Review status: criteria provided, single submitter. Criteria: Mendelics Assertion Criteria 2017. Collection method: clinical testing. Allele origin: unknown.

Genetic Services Laboratory, University of Chicago
Classification: Likely benign. Last evaluated: 2019-04-26. Review status: criteria provided, single submitter. Criteria: ACMG Guidelines, 2015. Collection method: clinical testing. Allele origin: germline. Affected: no.

Quest Diagnostics Nichols Institute San Juan Capistrano
Classification: Benign. Last evaluated: 2017-06-13. Review status: criteria provided, single submitter. Criteria: Quest Diagnostics criteria. Collection method: clinical testing. Allele origin: germline.

Ambry Genetics
Classification: Likely benign for Hereditary cancer-predisposing syndrome. Last evaluated: 2015-06-25. Review status: criteria provided, single submitter. Criteria: Ambry Variant Classification Scheme 2023. Collection method: clinical testing. Allele origin: germline.

NM_002691.4(POLD1):c.2337G>A (p.Ala779=)

Gene: POLD1 (DNA polymerase delta 1, catalytic subunit; plus strand). Cytogenetic location: 19q13.33.
Variant type: single nucleotide variant.
Coding change: c.2337G>A on transcript NM_002691.4 (MANE Select); coding-DNA position 2337, G replaced by A.
Protein change: p.Ala779=; no amino-acid change (alanine 779 retained).
Molecular consequence: synonymous variant. On other transcripts: non-coding transcript variant (1).
Genome position (GRCh38, 1-based): chr19:50,413,828, G>A. VCF-style: chr19-50413828-G-A. GRCh37 (hg19) VCF-style: chr19-50917085-G-A.
Other names: c.2337G>A, p.Ala779= (NM_001256849.1); c.2415G>A, p.Ala805= (NM_001308632.1).
Identifiers: ClinVar variation 239287 (VCV000239287.58), dbSNP rs147108748, ClinGen allele CA9596488.
Genomic context (GRCh38, chr19:50,413,828, plus strand): 5'-CATGTGCCGATTCGGCGTGTCCTCGGTGGCTGAGGCGATGGCCCTGGGGCGGGAGGCCGC[G>A]GACTGGGTGTCAGGTCACTTCCCGTCGCCCATCCGGCTGGAGTTTGAGAAGGTGCGTGGC-3'
Protein context (NP_002682.2, residues 769-789): AEAMALGREA[Ala779=]DWVSGHFPSP